The following is an entry in ClinVar:

ClinVar aggregate classification (germline): Pathogenic. Review status: criteria provided, multiple submitters, no conflicts (2 of 4 stars). 2 submissions from 2 submitters: Pathogenic (2). Last evaluated 2026-04-28.

Conditions:
Severe intellectual disability-poor language-strabismus-grimacing face-long fingers syndrome (GAND). Also called: GAND SYNDROME. Identifiers: Orphanet 363686, MedGen C3554448, MONDO:0014034, OMIM 615074.

Submissions (2):

Wales Gene Park, Division Of Cancer and Genetics, Cardiff University
Classification: Pathogenic for Severe intellectual disability-poor language-strabismus-grimacing face-long fingers syndrome. Last evaluated: 2026-04-28. Review status: criteria provided, single submitter. Criteria: ACGS Best Practice Guidelines for Variant Classification in Rare Disease 2024. Collection method: research. Allele origin: de novo. Inheritance: Autosomal dominant inheritance. Affected: yes. Study: 100,000 Genomes Project (Wales).
Comment: De novo GATAD2B frameshift variant detected by trio genome sequencing. Not in gnomAD (v4.1.1). Phenotype consistent with gene but not highly specific and high genetic heterogeneity. Evidence codes: PVS1, PM2, PS2_supporting.

Labcorp Genetics (formerly Invitae), Labcorp
Classification: Pathogenic. Last evaluated: 2025-08-09. Review status: criteria provided, single submitter. Criteria: Invitae Variant Classification Sherloc (09022015). Collection method: clinical testing. Allele origin: germline.
Comment: This sequence change creates a premature translational stop signal (p.Pro370Leufs*23) in the GATAD2B gene. It is expected to result in an absent or disrupted protein product. Loss-of-function variants in GATAD2B are known to be pathogenic (PMID: 23033978, 25356899, 27159321). This variant is not present in population databases (gnomAD no frequency). This variant has not been reported in the literature in individuals affected with GATAD2B-related conditions. For these reasons, this variant has been classified as Pathogenic.

Literature cited by the submitters: PubMed 23033978 (cited by Labcorp Genetics (formerly Invitae), Labcorp); PubMed 25356899 (cited by Labcorp Genetics (formerly Invitae), Labcorp); PubMed 27159321 (cited by Labcorp Genetics (formerly Invitae), Labcorp).

NM_020699.4(GATAD2B):c.1109del (p.Pro370fs)

Gene: GATAD2B (GATA zinc finger domain containing 2B; minus strand). Cytogenetic location: 1q21.3.
Variant type: Deletion.
Coding change: c.1109del on transcript NM_020699.4 (MANE Select); coding-DNA position 1109, one base deleted (C; older notation c.1109delC).
Protein change: p.Pro370fs; shifts the reading frame from proline 370.
Molecular consequence: frameshift variant.
Genome position (GRCh38, 1-based): chr1:153,816,380, G deleted on the plus strand (C on the coding strand, the reverse complement: GATAD2B is on the minus strand); the first of 5 consecutive G bases (chr1:153,816,380-153,816,384); deleting any one gives the same sequence. VCF-style (leftmost placement, unchanged base first): chr1-153816379-AG-A. GRCh37 (hg19) VCF-style: chr1-153788855-AG-A.
Other names: short protein forms P370fs.
Identifiers: ClinVar variation 4725056 (VCV004725056.2).